The following is an entry in ClinVar:

ClinVar aggregate classification (germline): Conflicting classifications of pathogenicity. Review status: criteria provided, conflicting classifications (1 of 4 stars). 7 submissions from 7 submitters: Uncertain significance (4); Likely benign (2). 1 of the submissions does not count toward it. Last evaluated 2025-12-30.

Conditions:
Inborn genetic diseases. Identifiers: MedGen C0950123, MeSH D030342.
Glutamate formiminotransferase deficiency. Also called: Arakawa syndrome 1; Formiminoglutamic aciduria. Identifiers: Orphanet 51208, MedGen C0268609, MONDO:0009240, OMIM 229100.
Intellectual disability. Also called: Intellectual functioning disability; intellectual disabilities; Intellectual developmental disorder. Identifiers: MedGen C3714756, MeSH D008607, MONDO:0001071, HP:0001249.

Allele frequency attached by ClinVar (database versions not stated): 1000 Genomes Project 30x 0.00016; 1000 Genomes Project 0.00020; ESP Exome Variant Server 0.00047; gnomAD 0.00059 and 0.00075; gnomAD exomes 0.00064 and 0.00073; TOPMed 0.00069; ExAC 0.00085.
gnomAD v4.1: 1,134 of 1,590,800 alleles (0.071%); highest among the groups gnomAD compares: Non-Finnish European, 0.088%; 2 homozygotes.

Submissions (7):

Labcorp Genetics (formerly Invitae), Labcorp
Classification: Uncertain significance for Glutamate formiminotransferase deficiency. Last evaluated: 2025-12-30. Review status: criteria provided, single submitter. Criteria: Invitae Variant Classification Sherloc (09022015). Collection method: clinical testing. Allele origin: germline.
Comment: This sequence change replaces threonine, which is neutral and polar, with methionine, which is neutral and non-polar, at codon 453 of the FTCD protein (p.Thr453Met). This variant is present in population databases (rs200283734, gnomAD 0.1%), and has an allele count higher than expected for a pathogenic variant. This variant has not been reported in the literature in individuals affected with FTCD-related conditions. ClinVar contains an entry for this variant (Variation ID: 209155). Invitae Evidence Modeling of protein sequence and biophysical properties (such as structural, functional, and spatial information, amino acid conservation, physicochemical variation, residue mobility, and thermodynamic stability) indicates that this missense variant is not expected to disrupt FTCD protein function with a negative predictive value of 80%. In summary, the available evidence is currently insufficient to determine the role of this variant in disease. Therefore, it has been classified as a Variant of Uncertain Significance.

Laboratory of Genetics, Children's Clinical University Hospital Latvia
Classification: Likely benign. Last evaluated: 2025-02-16. Review status: criteria provided, single submitter. Criteria: ACMG Guidelines, 2015. Collection method: clinical testing. Allele origin: germline. Affected: yes.

GeneDx
Classification: Uncertain significance. Last evaluated: 2024-12-17. Review status: criteria provided, single submitter. Criteria: GeneDx Variant Classification Process June 2021. Collection method: clinical testing. Allele origin: germline. Affected: yes.
Comment: In silico analysis indicates that this missense variant does not alter protein structure/function; Observed in a large population cohort, zygosity and detailed clinical information was not reported (PMID: 30665703); This variant is associated with the following publications: (PMID: 30665703)

CeGaT Center for Human Genetics Tuebingen
Classification: Likely benign. Last evaluated: 2024-01-01. Review status: criteria provided, single submitter. Criteria: CeGaT Center For Human Genetics Tuebingen Variant Classification Criteria Version 2. Collection method: clinical testing. Allele origin: germline. Affected: yes. Observed: 2 variant alleles.
Comment: FTCD: BP4

Ambry Genetics
Classification: Uncertain significance for Inborn genetic diseases. Last evaluated: 2021-02-22. Review status: criteria provided, single submitter. Criteria: Ambry Variant Classification Scheme 2023. Collection method: clinical testing. Allele origin: germline.
Comment: The c.1358C>T (p.T453M) alteration is located in exon 12 (coding exon 12) of the FTCD gene. This alteration results from a C to T substitution at nucleotide position 1358, causing the threonine (T) at amino acid position 453 to be replaced by a methionine (M). The p.T453M alteration is predicted to be tolerated by in silico analysis. Based on insufficient or conflicting evidence, the clinical significance of this alteration remains unclear.

Baylor Genetics
Classification: Uncertain significance for Glutamate formiminotransferase deficiency. Review status: criteria provided, single submitter. Criteria: ACMG Guidelines, 2015. Collection method: clinical testing. Allele origin: unknown. Study: Adult_WES.

Centre de Biologie Pathologie Génétique, Centre Hospitalier Universitaire de Lille
Classification: Uncertain significance for Intellectual disability. Last evaluated: 2019-01-01. Review status: no assertion criteria provided. Collection method: clinical testing. Allele origin: unknown. Affected: yes. Not counted in ClinVar's aggregate classification.

Literature cited by the submitters: PubMed 26633545 (cited by Baylor Genetics).

NM_206965.2(FTCD):c.1358C>T (p.Thr453Met)

Gene: FTCD (formimidoyltransferase cyclodeaminase; minus strand). Cytogenetic location: 21q22.3.
Variant type: single nucleotide variant.
Coding change: c.1358C>T on transcript NM_206965.2 (MANE Select); coding-DNA position 1358, C replaced by T.
Protein change: p.Thr453Met; replaces threonine 453 with methionine.
Molecular consequence: missense variant.
Genome position (GRCh38, 1-based): chr21:46,138,593, G>A on the plus strand (C>T on the coding strand, the complement: FTCD is on the minus strand). VCF-style: chr21-46138593-G-A. GRCh37 (hg19) VCF-style: chr21-47558507-G-A.
Other names: c.1358C>T, p.Thr453Met (NM_001320412.2, NM_006657.3); short protein forms T453M.
Identifiers: ClinVar variation 209155 (VCV000209155.37), dbSNP rs200283734, ClinGen allele CA250345.